The following is an entry in ClinVar:

ClinVar aggregate classification (germline): Uncertain significance (1 of 4 stars; one submission).

Conditions:
Evans syndrome, immunodeficiency, and premature immunosenescence associated with tripeptidyl-peptidase II deficiency. Identifiers: MedGen CN231723. Disease mechanism: loss of function.

Submission:

Labcorp Genetics (formerly Invitae), Labcorp
Classification: Uncertain significance for Evans syndrome, immunodeficiency, and premature immunosenescence associated with tripeptidyl-peptidase II deficiency. Last evaluated: 2020-09-16. Review status: criteria provided, single submitter. Criteria: Invitae Variant Classification Sherloc (09022015). Collection method: clinical testing. Allele origin: germline.
Comment: This sequence change replaces valine with aspartic acid at codon 794 of the TPP2 protein (p.Val794Asp). The valine residue is moderately conserved and there is a large physicochemical difference between valine and aspartic acid. In summary, the available evidence is currently insufficient to determine the role of this variant in disease. Therefore, it has been classified as a Variant of Uncertain Significance. Algorithms developed to predict the effect of missense changes on protein structure and function are either unavailable or do not agree on the potential impact of this missense change (SIFT: "Deleterious"; PolyPhen-2: "Probably Damaging"; Align-GVGD: "Class C0"). This variant has not been reported in the literature in individuals with TPP2-related conditions. This variant is not present in population databases (ExAC no frequency).

NM_001330588.2(TPP2):c.2381T>A (p.Val794Asp)

Gene: TPP2 (tripeptidyl peptidase 2; plus strand). Cytogenetic location: 13q33.1.
Variant type: single nucleotide variant.
Coding change: c.2381T>A on transcript NM_001330588.2 (MANE Select); coding-DNA position 2381, T replaced by A.
Protein change: p.Val794Asp; replaces valine 794 with aspartic acid.
Molecular consequence: missense variant. On other transcripts: non-coding transcript variant (1).
Genome position (GRCh38, 1-based): chr13:102,644,997, T>A. VCF-style: chr13-102644997-T-A. GRCh37 (hg19) VCF-style: chr13-103297347-T-A.
Other names: c.2381T>A, p.Val794Asp (NM_001367947.1, NM_003291.4); short protein forms V794D.
Identifiers: ClinVar variation 1054966 (VCV001054966.9), dbSNP rs2139533430, ClinGen allele CA388497501.